The following is an entry in ClinVar:

NM_001429.4(EP300):c.4884T>C (p.Asp1628=)

Gene: EP300 (EP300 lysine acetyltransferase; plus strand). Cytogenetic location: 22q13.2.
Variant type: single nucleotide variant.
Coding change: c.4884T>C on transcript NM_001429.4 (MANE Select); coding-DNA position 4884, T replaced by C.
Protein change: p.Asp1628=; no amino-acid change (aspartic acid 1628 retained).
Molecular consequence: synonymous variant.
Genome position (GRCh38, 1-based): chr22:41,176,351, T>C. VCF-style: chr22-41176351-T-C. GRCh37 (hg19) VCF-style: chr22-41572355-T-C.
Other names: c.4806T>C, p.Asp1602= (NM_001362843.2); c.4884T>C (NM_001429.3).
Identifiers: ClinVar variation 2884165 (VCV002884165.4), dbSNP rs938606062, ClinGen allele CA324557931.

ClinVar aggregate classification (germline): Benign. Review status: criteria provided, single submitter (1 of 4 stars). 2 submissions from 2 submitters: Benign (1). 1 of the submissions does not count toward it. Last evaluated 2024-08-05.

Conditions:
Rubinstein-Taybi syndrome due to EP300 haploinsufficiency. Also called: RUBINSTEIN-TAYBI SYNDROME 2; EP300-Related Rubinstein-Taybi Syndrome. Identifiers: Orphanet 353284, Orphanet 783, MedGen C3150941, MONDO:0013364, OMIM 613684.
EP300-related disorder. Also called: EP300-related condition; EP300-related disorders.

Allele frequency attached by ClinVar (database versions not stated): gnomAD exomes below 0.00001; TOPMed 0.00001.
gnomAD v4.1: 1 of 1,614,240 alleles (0.000062%); highest among the groups gnomAD compares: South Asian, 0.0011%; no homozygotes.

Submissions (2):

Labcorp Genetics (formerly Invitae), Labcorp
Classification: Benign for Rubinstein-Taybi syndrome due to EP300 haploinsufficiency. Last evaluated: 2024-08-05. Review status: criteria provided, single submitter. Criteria: Invitae Variant Classification Sherloc (09022015). Collection method: clinical testing. Allele origin: germline.

PreventionGenetics, part of Exact Sciences
Classification: Likely benign for EP300-related condition. Last evaluated: 2022-04-07. Review status: no assertion criteria provided. Collection method: clinical testing. Allele origin: germline. Not counted in ClinVar's aggregate classification.
Comment: This variant is classified as likely benign based on ACMG/AMP sequence variant interpretation guidelines (Richards et al. 2015 PMID: 25741868, with internal and published modifications).